The following is an entry in ClinVar:

NM_153717.3(EVC):c.2763_2764insTT (p.Ala922fs)

Gene: EVC (EvC ciliary complex subunit 1; plus strand). Cytogenetic location: 4p16.2.
Variant type: Insertion.
Coding change: c.2763_2764insTT on transcript NM_153717.3 (MANE Select); coding-DNA positions 2763 to 2764, TT inserted.
Protein change: p.Ala922fs; shifts the reading frame from alanine 922.
Molecular consequence: frameshift variant.
Genome position: GRCh38 VCF-style: chr4-5809591-C-CTT. GRCh37 (hg19) VCF-style: chr4-5811318-C-CTT.
Other names: c.2763_2764insTT, p.Ala922fs (NM_001306090.2); short protein forms A922fs.
Identifiers: ClinVar variation 5004355 (VCV005004355.1).

ClinVar aggregate classification (germline): Pathogenic (1 of 4 stars; one submission).

Conditions:
Ellis-van Creveld syndrome (EVC). Also called: Chondroectodermal dysplasia; MESOECTODERMAL DYSPLASIA. Identifiers: Orphanet 289, MedGen C0013903, MONDO:0009162, OMIM 225500.

Submission:

Myriad Genetics, Inc.
Classification: Pathogenic for Ellis-van Creveld syndrome. Last evaluated: 2025-12-30. Review status: criteria provided, single submitter. Criteria: Myriad Autosomal Dominant, Autosomal Recessive and X-Linked Classification Criteria (2023). Collection method: clinical testing. Allele origin: unknown.
Comment: NM_153717.2(EVC):c.2763_2764insTT(A922Lfs*7) is a frameshift variant classified as pathogenic in the context of EVC-related Ellis-van Creveld syndrome. A922Lfs*7 has not been observed in cases with relevant disease. Relevant functional assessments of this variant are not available in the literature. A922Lfs*7 has not been observed in referenced population frequency databases. In summary, NM_153717.2(EVC):c.2763_2764insTT(A922Lfs*7) is a frameshift variant in a gene where loss of function is a known mechanism of disease and is predicted to disrupt protein function. Please note: this variant was assessed in the context of healthy population screening.